The following is an entry in ClinVar:

ClinVar aggregate classification (germline): Uncertain significance. Review status: criteria provided, multiple submitters, no conflicts (2 of 4 stars). 4 submissions from 4 submitters: Uncertain significance (4). Last evaluated 2024-03-17.

Conditions:
Bardet-Biedl syndrome 10 (BBS10). Identifiers: Orphanet 110, MedGen C1859568, MONDO:0014438, OMIM 615987.
Bardet-Biedl syndrome (BBS). Identifiers: Orphanet 110, MedGen C0752166, MONDO:0015229.

Submissions (4):

Fulgent Genetics
Classification: Uncertain significance for Bardet-Biedl syndrome 10. Last evaluated: 2024-03-17. Review status: criteria provided, single submitter. Criteria: ACMG Guidelines, 2015. Collection method: clinical testing. Allele origin: germline.

GeneDx
Classification: Uncertain significance. Last evaluated: 2023-11-03. Review status: criteria provided, single submitter. Criteria: GeneDx Variant Classification Process June 2021. Collection method: clinical testing. Allele origin: germline. Affected: yes.
Comment: Not observed at significant frequency in large population cohorts (gnomAD); In silico analysis supports that this missense variant has a deleterious effect on protein structure/function; Has not been previously published as pathogenic or benign to our knowledge

Blueprint Genetics
Classification: Uncertain significance. Last evaluated: 2023-09-07. Review status: criteria provided, single submitter. Criteria: ACMG Guidelines, 2015. Collection method: clinical testing. Allele origin: germline.

Labcorp Genetics (formerly Invitae), Labcorp
Classification: Uncertain significance for Bardet-Biedl syndrome. Last evaluated: 2022-04-04. Review status: criteria provided, single submitter. Criteria: Invitae Variant Classification Sherloc (09022015). Collection method: clinical testing. Allele origin: germline.
Comment: This sequence change replaces glutamic acid, which is acidic and polar, with serine, which is neutral and polar, at codon 337 of the BBS10 protein (p.Glu337Ser). This variant is present in population databases (rs752630373, gnomAD 0.003%). This variant has not been reported in the literature in individuals affected with BBS10-related conditions. Experimental studies and prediction algorithms are not available or were not evaluated, and the functional significance of this variant is currently unknown. In summary, the available evidence is currently insufficient to determine the role of this variant in disease. Therefore, it has been classified as a Variant of Uncertain Significance.

NM_024685.4(BBS10):c.1009_1010inv (p.Glu337Ser)

Gene: BBS10 (Bardet-Biedl syndrome 10; minus strand). Cytogenetic location: 12q21.2.
Variant type: Inversion.
Coding change: c.1009_1010inv on transcript NM_024685.4 (MANE Select).
Protein change: p.Glu337Ser; replaces glutamic acid 337 with serine.
Molecular consequence: missense variant.
Genome position: GRCh38 VCF-style: chr12-76346975-TC-GA. GRCh37 (hg19) VCF-style: chr12-76740755-TC-GA.
Other names: c.1009_1010delinsTC (NM_024685.4); short protein forms E337S.
Identifiers: ClinVar variation 2195885 (VCV002195885.4), ClinGen allele CA2580086684.